The following is an entry in ClinVar:

ClinVar aggregate classification (germline): Uncertain significance (1 of 4 stars; one submission).

Conditions:
Peroxisome biogenesis disorder, complementation group K (CGK). Identifiers: MedGen C1866257, MONDO:0800365.

gnomAD v4.1: 1 of 1,613,964 alleles (0.000062%); highest among the groups gnomAD compares: East Asian, 0.0022%; no homozygotes.

Submission:

Labcorp Genetics (formerly Invitae), Labcorp
Classification: Uncertain significance for Peroxisome biogenesis disorder, complementation group K. Last evaluated: 2022-07-30. Review status: criteria provided, single submitter. Criteria: Invitae Variant Classification Sherloc (09022015). Collection method: clinical testing. Allele origin: germline.
Comment: This variant is not present in population databases (gnomAD no frequency). This sequence change replaces leucine, which is neutral and non-polar, with valine, which is neutral and non-polar, at codon 112 of the PEX14 protein (p.Leu112Val). Algorithms developed to predict the effect of missense changes on protein structure and function (SIFT, PolyPhen-2, Align-GVGD) all suggest that this variant is likely to be tolerated. This variant has not been reported in the literature in individuals affected with PEX14-related conditions. In summary, the available evidence is currently insufficient to determine the role of this variant in disease. Therefore, it has been classified as a Variant of Uncertain Significance.

NM_004565.3(PEX14):c.334C>G (p.Leu112Val)

Gene: PEX14 (peroxisomal biogenesis factor 14; plus strand). Cytogenetic location: 1p36.22.
Variant type: single nucleotide variant.
Coding change: c.334C>G on transcript NM_004565.3 (MANE Select); coding-DNA position 334, C replaced by G.
Protein change: p.Leu112Val; replaces leucine 112 with valine.
Molecular consequence: missense variant.
Genome position (GRCh38, 1-based): chr1:10,618,367, C>G. VCF-style: chr1-10618367-C-G. GRCh37 (hg19) VCF-style: chr1-10678424-C-G.
Other names: short protein forms L112V.
Identifiers: ClinVar variation 1944740 (VCV001944740.5), dbSNP rs2521827423, ClinGen allele CA338331035.
Genomic context (GRCh38, chr1:10,618,367, plus strand): 5'-ACCCTCCTCCTCTTCCCGCCTGTAGGTCCCGCAGGCTCCCGATGGCGAGATTACGGCGCC[C>G]TGGCCATCATCATGGCAGGCATTGCATTTGGCTTTCACCAGCTCTACAAGGTGAGTCACC-3'
Protein context (NP_004556.1, residues 102-122): AGSRWRDYGA[Leu112Val]AIIMAGIAFG